The following is an entry in ClinVar:

ClinVar aggregate classification (germline): Uncertain significance (1 of 4 stars; one submission).

Submission:

Women's Health and Genetics/Laboratory Corporation of America, LabCorp
Classification: Uncertain significance. Last evaluated: 2026-03-02. Review status: criteria provided, single submitter. Criteria: LabCorp Variant Classification Summary - May 2015. Collection method: clinical testing. Allele origin: germline.
Comment: Variant summary: DSE c.1740G>T (p.Leu580Phe) results in a non-conservative amino acid change in the encoded protein sequence. Algorithms developed to predict the effect of missense changes on protein structure and function are either unavailable or do not agree on the potential impact of this missense change. The variant was absent in 251290 control chromosomes. The available data on variant occurrences in the general population are insufficient to allow any conclusion about variant significance. To our knowledge, no occurrence of c.1740G>T in individuals affected with DSE-related conditions and no experimental evidence demonstrating its impact on protein function have been reported. No submitters have cited clinical-significance assessments for this variant to ClinVar. Based on the evidence outlined above, the variant was classified as uncertain significance.

NM_013352.4(DSE):c.1740G>T (p.Leu580Phe)

Gene: DSE (dermatan sulfate epimerase; plus strand). Cytogenetic location: 6q22.1.
Variant type: single nucleotide variant.
Coding change: c.1740G>T on transcript NM_013352.4 (MANE Select); coding-DNA position 1740, G replaced by T.
Protein change: p.Leu580Phe; replaces leucine 580 with phenylalanine.
Molecular consequence: missense variant. On other transcripts: 3 prime UTR variant (2), non-coding transcript variant (1).
Genome position (GRCh38, 1-based): chr6:116,436,208, G>T. VCF-style: chr6-116436208-G-T. GRCh37 (hg19) VCF-style: chr6-116757371-G-T.
Other names: c.1740G>T, p.Leu580Phe (NM_001080976.3, NM_001322937.2, NM_001322938.2); c.1797G>T, p.Leu599Phe (NM_001322939.2); c.1179G>T, p.Leu393Phe (NM_001322940.2, NM_001322941.2); c.*605G>T (NM_001322943.2, NM_001322944.2); c.741G>T, p.Leu247Phe (NM_001374520.1); c.705G>T, p.Leu235Phe (NM_001374521.1); short protein forms L235F, L247F, L393F, L580F, L599F.
Identifiers: ClinVar variation 4847586 (VCV004847586.1).